The following is an entry in ClinVar:

NM_001430.5(EPAS1):c.1990G>A (p.Ala664Thr)

Gene: EPAS1 (endothelial PAS domain protein 1; plus strand). Cytogenetic location: 2p21.
Variant type: single nucleotide variant.
Coding change: c.1990G>A on transcript NM_001430.5 (MANE Select); coding-DNA position 1990, G replaced by A.
Protein change: p.Ala664Thr; replaces alanine 664 with threonine.
Molecular consequence: missense variant.
Genome position (GRCh38, 1-based): chr2:46,380,662, G>A. VCF-style: chr2-46380662-G-A. GRCh37 (hg19) VCF-style: chr2-46607801-G-A.
Other names: short protein forms A664T.
Identifiers: ClinVar variation 1783969 (VCV001783969.3), dbSNP rs1003174096, ClinGen allele CA46567148.

ClinVar aggregate classification (germline): Uncertain significance (1 of 4 stars; one submission).

Conditions:
Inborn genetic diseases. Identifiers: MedGen C0950123, MeSH D030342.

Allele frequency attached by ClinVar (database versions not stated): gnomAD exomes 0.00001; TOPMed 0.00003; gnomAD 0.00004.
gnomAD v4.1: 18 of 1,613,956 alleles (0.0011%); highest among the groups gnomAD compares: African/African-American, 0.02%; no homozygotes.

Submission:

Ambry Genetics
Classification: Uncertain significance for Inborn genetic diseases. Last evaluated: 2023-07-29. Review status: criteria provided, single submitter. Criteria: Ambry Variant Classification Scheme 2023. Collection method: clinical testing. Allele origin: germline.
Comment: The p.A664T variant (also known as c.1990G>A), located in coding exon 12 of the EPAS1 gene, results from a G to A substitution at nucleotide position 1990. The alanine at codon 664 is replaced by threonine, an amino acid with similar properties. This amino acid position is conserved. In addition, this alteration is predicted to be tolerated by in silico analysis. Since supporting evidence is limited at this time, the clinical significance of this alteration remains unclear.